The following is an entry in ClinVar:

ClinVar aggregate classification (germline): Uncertain significance (1 of 4 stars; one submission).

Allele frequency attached by ClinVar (database versions not stated): gnomAD exomes below 0.00001; ExAC 0.00001.
gnomAD v4.1: 5 of 1,612,558 alleles (0.00031%); highest among the groups gnomAD compares: Non-Finnish European, 0.00042%; no homozygotes.

Submission:

Labcorp Genetics (formerly Invitae), Labcorp
Classification: Uncertain significance. Last evaluated: 2023-04-11. Review status: criteria provided, single submitter. Criteria: Invitae Variant Classification Sherloc (09022015). Collection method: clinical testing. Allele origin: germline.
Comment: This variant is present in population databases (rs748972618, gnomAD 0.002%). This variant has not been reported in the literature in individuals affected with IMPG1-related conditions. This sequence change replaces tyrosine, which is neutral and polar, with asparagine, which is neutral and polar, at codon 52 of the IMPG1 protein (p.Tyr52Asn). ClinVar contains an entry for this variant (Variation ID: 1492944). In summary, the available evidence is currently insufficient to determine the role of this variant in disease. Therefore, it has been classified as a Variant of Uncertain Significance. An algorithm developed to predict the effect of missense changes on protein structure and function (PolyPhen-2) suggests that this variant is likely to be tolerated.

NM_001563.4(IMPG1):c.154T>A (p.Tyr52Asn)

Gene: IMPG1 (interphotoreceptor matrix proteoglycan 1; minus strand). Cytogenetic location: 6q14.1.
Variant type: single nucleotide variant.
Coding change: c.154T>A on transcript NM_001563.4 (MANE Select); coding-DNA position 154, T replaced by A.
Protein change: p.Tyr52Asn; replaces tyrosine 52 with asparagine.
Molecular consequence: missense variant. On other transcripts: intron variant (1).
Genome position (GRCh38, 1-based): chr6:76,042,040, A>T on the plus strand (T>A on the coding strand, the complement: IMPG1 is on the minus strand). VCF-style: chr6-76042040-A-T. GRCh37 (hg19) VCF-style: chr6-76751757-A-T.
Other names: c.68-7253T>A (NM_001282368.2); short protein forms Y52N.
Identifiers: ClinVar variation 1492944 (VCV001492944.8), dbSNP rs748972618, ClinGen allele CA3898632.